The following is an entry in ClinVar:

ClinVar aggregate classification (germline): Uncertain significance (1 of 4 stars; one submission).

Conditions:
Meckel-Gruber syndrome. Also called: Dysencephalia splachnocystica; DYSENCEPHALIA SPLANCHNOCYSTICA; GRUBER SYNDROME. Identifiers: Orphanet 564, MedGen C0265215, MONDO:0018921.
Joubert syndrome. Also called: Familial aplasia of the vermis; CEREBELLOPARENCHYMAL DISORDER IV; JOUBERT-BOLTSHAUSER SYNDROME. Identifiers: Orphanet 475, MedGen C5979921, MONDO:0018772.

Allele frequency attached by ClinVar (database versions not stated): gnomAD exomes below 0.00001; gnomAD 0.00001.
gnomAD v4.1: 3 of 1,613,026 alleles (0.00019%); highest among the groups gnomAD compares: African/African-American, 0.0013%; no homozygotes.

Submission:

Labcorp Genetics (formerly Invitae), Labcorp
Classification: Uncertain significance for Joubert syndrome; Meckel-Gruber syndrome. Last evaluated: 2022-12-02. Review status: criteria provided, single submitter. Criteria: Invitae Variant Classification Sherloc (09022015). Collection method: clinical testing. Allele origin: germline.
Comment: In summary, the available evidence is currently insufficient to determine the role of this variant in disease. Therefore, it has been classified as a Variant of Uncertain Significance. Advanced modeling of protein sequence and biophysical properties (such as structural, functional, and spatial information, amino acid conservation, physicochemical variation, residue mobility, and thermodynamic stability) performed at Invitae indicates that this missense variant is not expected to disrupt RPGRIP1L protein function. ClinVar contains an entry for this variant (Variation ID: 940620). This variant has not been reported in the literature in individuals affected with RPGRIP1L-related conditions. This variant is present in population databases (no rsID available, gnomAD 0.01%). This sequence change replaces methionine, which is neutral and non-polar, with valine, which is neutral and non-polar, at codon 334 of the RPGRIP1L protein (p.Met334Val).

NM_015272.5(RPGRIP1L):c.1000A>G (p.Met334Val)

Gene: RPGRIP1L (RPGRIP1 like; minus strand). Cytogenetic location: 16q12.2.
Variant type: single nucleotide variant.
Coding change: c.1000A>G on transcript NM_015272.5 (MANE Select); coding-DNA position 1000, A replaced by G.
Protein change: p.Met334Val; replaces methionine 334 with valine.
Molecular consequence: missense variant.
Genome position (GRCh38, 1-based): chr16:53,672,899, T>C on the plus strand (A>G on the coding strand, the complement: RPGRIP1L is on the minus strand). VCF-style: chr16-53672899-T-C. GRCh37 (hg19) VCF-style: chr16-53706811-T-C.
Other names: c.1000A>G, p.Met334Val (NM_001127897.4, NM_001308334.3, NM_001330538.2); short protein forms M334V.
Identifiers: ClinVar variation 940620 (VCV000940620.7), dbSNP rs1182455258, ClinGen allele CA395922788.